The following is an entry in ClinVar:

NM_203290.4(POLR1C):c.1004G>A (p.Arg335His)

Gene: POLR1C (RNA polymerase I and III subunit C; plus strand). Cytogenetic location: 6p21.1.
Variant type: single nucleotide variant.
Coding change: c.1004G>A on transcript NM_203290.4 (MANE Select); coding-DNA position 1004, G replaced by A.
Protein change: p.Arg335His; replaces arginine 335 with histidine.
Molecular consequence: missense variant. On other transcripts: intron variant (2).
Genome position (GRCh38, 1-based): chr6:43,521,263, G>A. VCF-style: chr6-43521263-G-A. GRCh37 (hg19) VCF-style: chr6-43489001-G-A.
Other names: c.922+215G>A (NM_001318876.2, NM_001363658.2); c.1004G>A (NM_203290.2); short protein forms R335H.
Identifiers: ClinVar variation 425380 (VCV000425380.8), dbSNP rs777698504, ClinGen allele CA3825663.
Genomic context (GRCh38, chr6:43,521,263, plus strand): 5'-TGTTGCCACCAGATGTGCTGGTGAGTGAAGCCATCAAAGTACTGATGGGGAAGTGCCGGC[G>A]CTTCTTGGATGAACTAGATGCGGTTCAGATGGACTGAGCTTGGATGCTTCTGAGGCAAGC-3'
Protein context (NP_976035.1, residues 325-345): AIKVLMGKCR[Arg335His]FLDELDAVQM

ClinVar aggregate classification (germline): Uncertain significance. Review status: criteria provided, multiple submitters, no conflicts (2 of 4 stars). 3 submissions from 3 submitters: Uncertain significance (3). Last evaluated 2024-12-03.

Conditions:
Inborn genetic diseases. Identifiers: MedGen C0950123, MeSH D030342.

Allele frequency attached by ClinVar (database versions not stated): gnomAD exomes 0.00005; ExAC 0.00006; gnomAD 0.00006 and 0.00007; TOPMed 0.00013.
gnomAD v4.1: 97 of 1,612,726 alleles (0.006%); highest among the groups gnomAD compares: Admixed American, 0.017%; no homozygotes.

Submissions (3):

Labcorp Genetics (formerly Invitae), Labcorp
Classification: Uncertain significance. Last evaluated: 2024-12-03. Review status: criteria provided, single submitter. Criteria: Invitae Variant Classification Sherloc (09022015). Collection method: clinical testing. Allele origin: germline.
Comment: This sequence change replaces arginine, which is basic and polar, with histidine, which is basic and polar, at codon 335 of the POLR1C protein (p.Arg335His). This variant is present in population databases (rs777698504, gnomAD 0.007%). This variant has not been reported in the literature in individuals affected with POLR1C-related conditions. ClinVar contains an entry for this variant (Variation ID: 425380). Invitae Evidence Modeling of protein sequence and biophysical properties (such as structural, functional, and spatial information, amino acid conservation, physicochemical variation, residue mobility, and thermodynamic stability) indicates that this missense variant is not expected to disrupt POLR1C protein function with a negative predictive value of 80%. In summary, the available evidence is currently insufficient to determine the role of this variant in disease. Therefore, it has been classified as a Variant of Uncertain Significance.

Ambry Genetics
Classification: Uncertain significance for Inborn genetic diseases. Last evaluated: 2023-12-19. Review status: criteria provided, single submitter. Criteria: Ambry Variant Classification Scheme 2023. Collection method: clinical testing. Allele origin: germline.

CeGaT Center for Human Genetics Tuebingen
Classification: Uncertain significance. Last evaluated: 2016-10-31. Review status: criteria provided, single submitter. Criteria: Praxis fuer Humangenetik Tuebingen - Variant Classification Criteria. Collection method: clinical testing. Allele origin: germline. Affected: yes. Observed: 1 variant allele.